The following is an entry in ClinVar:

NM_004415.4(DSP):c.1044+10A>C

Gene: DSP (desmoplakin; plus strand). Cytogenetic location: 6p24.3.
Variant type: single nucleotide variant.
Coding change: c.1044+10A>C on transcript NM_004415.4 (MANE Select); 10 bases into the intron after coding-DNA position 1044, A replaced by C.
Molecular consequence: intron variant.
Genome position (GRCh38, 1-based): chr6:7,566,491, A>C. VCF-style: chr6-7566491-A-C. GRCh37 (hg19) VCF-style: chr6-7566724-A-C.
Other names: c.1044+10A>C (NM_001319034.2, NM_001008844.3, NM_004415.3).
Identifiers: ClinVar variation 704444 (VCV000704444.20), dbSNP rs750114473, ClinGen allele CA026710.

ClinVar aggregate classification (germline): Likely benign. Review status: criteria provided, multiple submitters, no conflicts (2 of 4 stars). 6 submissions from 6 submitters: Likely benign (6). Last evaluated 2026-09-18.

Conditions:
Arrhythmogenic cardiomyopathy with wooly hair and keratoderma. Also called: PALMOPLANTAR KERATODERMA WITH LEFT VENTRICULAR CARDIOMYOPATHY AND WOOLLY HAIR; Dilated cardiomyopathy with woolly hair and keratoderma; Arrhythmogenic cardiomyopathy with woolly hair and keratoderma; Carvajal syndrome. Identifiers: Orphanet 65282, MedGen C1854063, MONDO:0011581, OMIM 605676.
Arrhythmogenic right ventricular dysplasia 8 (ARVD8). Also called: Arrhythmogenic Right Ventricular Dysplasia/Cardiomyopathy 8; ARRHYTHMOGENIC RIGHT VENTRICULAR DYSPLASIA, FAMILIAL, 8; ARRHYTHMOGENIC RIGHT VENTRICULAR CARDIOMYOPATHY 8. Identifiers: MedGen C1843896, MONDO:0011831, OMIM 607450.
DSP-related disorder. Also called: DSP-related condition; DSP-related disorders.

Allele frequency attached by ClinVar (database versions not stated): gnomAD exomes 0.00002 and 0.00003; ExAC 0.00003; TOPMed 0.00006; gnomAD 0.00007.
gnomAD v4.1: 56 of 1,608,738 alleles (0.0035%); highest among the groups gnomAD compares: Non-Finnish European, 0.0047%; no homozygotes.

Submissions (6):

PreventionGenetics, part of Exact Sciences
Classification: Likely benign for DSP-related condition. Last evaluated: 2026-09-18. Review status: criteria provided, single submitter. Criteria: ACMG Guidelines, 2015. Collection method: clinical testing. Allele origin: germline.
Comment: This variant is classified as likely benign based on ACMG/AMP sequence variant interpretation guidelines (Richards et al. 2015 PMID: 25741868, with internal and published modifications).

Women's Health and Genetics/Laboratory Corporation of America, LabCorp
Classification: Likely benign. Last evaluated: 2026-05-01. Review status: criteria provided, single submitter. Criteria: LabCorp Variant Classification Summary - May 2015. Collection method: clinical testing. Allele origin: germline.

Molecular Diagnostic Laboratory for Inherited Cardiovascular Disease, Montreal Heart Institute
Classification: Likely benign. Last evaluated: 2026-03-27. Review status: criteria provided, single submitter. Criteria: ACMG Guidelines, 2015. Collection method: clinical testing. Allele origin: germline. Affected: no.

Labcorp Genetics (formerly Invitae), Labcorp
Classification: Likely benign for Arrhythmogenic cardiomyopathy with wooly hair and keratoderma; Arrhythmogenic right ventricular dysplasia 8. Last evaluated: 2025-12-22. Review status: criteria provided, single submitter. Criteria: Invitae Variant Classification Sherloc (09022015). Collection method: clinical testing. Allele origin: germline.

Blueprint Genetics
Classification: Likely benign. Last evaluated: 2024-09-13. Review status: criteria provided, single submitter. Criteria: ACMG Guidelines, 2015. Collection method: clinical testing. Allele origin: germline.

Breakthrough Genomics
Classification: Likely benign. Review status: criteria provided, single submitter. Criteria: ACMG Guidelines, 2015. Collection method: not provided. Allele origin: germline. Inheritance: Autosomal recessive inheritance. Affected: yes.